The following is an entry in ClinVar:

ClinVar aggregate classification (germline): Uncertain significance (1 of 4 stars; one submission).

gnomAD v4.1: 1 of 1,614,136 alleles (0.000062%); highest among the groups gnomAD compares: Admixed American, 0.0017%; no homozygotes.

Submission:

Women's Health and Genetics/Laboratory Corporation of America, LabCorp
Classification: Uncertain significance. Last evaluated: 2025-04-18. Review status: criteria provided, single submitter. Criteria: LabCorp Variant Classification Summary - May 2015. Collection method: clinical testing. Allele origin: germline.
Comment: Variant summary: ZNF462 c.1043C>A (p.Pro348Gln) results in a non-conservative amino acid change in the encoded protein sequence. Three of five in-silico tools predict a damaging effect of the variant on protein function. The variant allele was found at a frequency of 4e-06 in 251436 control chromosomes. The available data on variant occurrences in the general population are insufficient to allow any conclusion about variant significance. To our knowledge, no occurrence of c.1043C>A in individuals affected with Weiss-Kruszka Syndrome and no experimental evidence demonstrating its impact on protein function have been reported. No submitters have cited clinical-significance assessments for this variant to ClinVar. Based on the evidence outlined above, the variant was classified as uncertain significance.

NM_021224.6(ZNF462):c.1043C>A (p.Pro348Gln)

Gene: ZNF462 (zinc finger protein 462; plus strand). Cytogenetic location: 9q31.2.
Variant type: single nucleotide variant.
Coding change: c.1043C>A on transcript NM_021224.6 (MANE Select); coding-DNA position 1043, C replaced by A.
Protein change: p.Pro348Gln; replaces proline 348 with glutamine.
Molecular consequence: missense variant.
Genome position (GRCh38, 1-based): chr9:106,924,955, C>A. VCF-style: chr9-106924955-C-A. GRCh37 (hg19) VCF-style: chr9-109687236-C-A.
Other names: c.1043C>A, p.Pro348Gln (NM_001347997.2); short protein forms P348Q.
Identifiers: ClinVar variation 3896172 (VCV003896172.2).